The following is an entry in ClinVar:

ClinVar aggregate classification (germline): Likely benign. Review status: criteria provided, single submitter (1 of 4 stars). 2 submissions from 2 submitters: Likely benign (1). 1 of the submissions does not count toward it. Last evaluated 2024-10-18.

Conditions:
FSIP2-related disorder. Also called: FSIP2-related condition.

Allele frequency attached by ClinVar (database versions not stated): gnomAD exomes 0.00064; ExAC 0.00090; 1000 Genomes Project 0.00599; gnomAD 0.00600; 1000 Genomes Project 30x 0.00609; TOPMed 0.00701.
gnomAD v4.1: 1,872 of 1,529,324 alleles (0.12%); highest among the groups gnomAD compares: African/African-American, 2.1%; 23 homozygotes.

Submissions (2):

Blueprint Genetics
Classification: Likely benign. Last evaluated: 2024-10-18. Review status: criteria provided, single submitter. Criteria: ACMG Guidelines, 2015. Collection method: clinical testing. Allele origin: germline.

PreventionGenetics, part of Exact Sciences
Classification: Likely benign for FSIP2-related condition. Last evaluated: 2019-04-11. Review status: no assertion criteria provided. Collection method: clinical testing. Allele origin: germline. Not counted in ClinVar's aggregate classification.
Comment: This variant is classified as likely benign based on ACMG/AMP sequence variant interpretation guidelines (Richards et al. 2015 PMID: 25741868, with internal and published modifications).

NM_173651.4(FSIP2):c.277T>C (p.Leu93=)

Gene: FSIP2 (fibrous sheath interacting protein 2; plus strand). Cytogenetic location: 2q32.1.
Variant type: single nucleotide variant.
Coding change: c.277T>C on transcript NM_173651.4 (MANE Select); coding-DNA position 277, T replaced by C.
Protein change: p.Leu93=; no amino-acid change (leucine 93 retained).
Molecular consequence: synonymous variant.
Genome position (GRCh38, 1-based): chr2:185,743,184, T>C. VCF-style: chr2-185743184-T-C. GRCh37 (hg19) VCF-style: chr2-186607911-T-C.
Identifiers: ClinVar variation 3050642 (VCV003050642.3), dbSNP rs76731554, ClinGen allele CA2016433.